The following is an entry in ClinVar:

ClinVar aggregate classification (germline): Uncertain significance (1 of 4 stars; one submission).

Conditions:
Autosomal dominant limb-girdle muscular dystrophy type 1G (LGMDD3). Also called: Limb-girdle muscular dystrophy, type 1G; MUSCULAR DYSTROPHY, LIMB-GIRDLE, AUTOSOMAL DOMINANT 3. Identifiers: Orphanet 55596, MedGen C1836765, MONDO:0012193, OMIM 609115.

Allele frequency attached by ClinVar (database versions not stated): gnomAD exomes below 0.00001; ExAC 0.00001; TOPMed 0.00002; gnomAD 0.00003.
gnomAD v4.1: 6 of 1,614,074 alleles (0.00037%); highest among the groups gnomAD compares: African/African-American, 0.004%; no homozygotes.

Submission:

Labcorp Genetics (formerly Invitae), Labcorp
Classification: Uncertain significance for Autosomal dominant limb-girdle muscular dystrophy type 1G. Last evaluated: 2025-12-17. Review status: criteria provided, single submitter. Criteria: Invitae Variant Classification Sherloc (09022015). Collection method: clinical testing. Allele origin: germline.
Comment: This sequence change replaces aspartic acid, which is acidic and polar, with asparagine, which is neutral and polar, at codon 243 of the HNRNPDL protein (p.Asp243Asn). This variant is present in population databases (rs779448092, gnomAD 0.008%). This variant has not been reported in the literature in individuals affected with HNRNPDL-related conditions. ClinVar contains an entry for this variant (Variation ID: 2897620). An algorithm developed to predict the effect of missense changes on protein structure and function (PolyPhen-2) suggests that this variant is likely to be tolerated. In summary, the available evidence is currently insufficient to determine the role of this variant in disease. Therefore, it has been classified as a Variant of Uncertain Significance.

NM_031372.4(HNRNPDL):c.727G>A (p.Asp243Asn)

Gene: HNRNPDL (heterogeneous nuclear ribonucleoprotein D like; minus strand). Cytogenetic location: 4q21.22.
Variant type: single nucleotide variant.
Coding change: c.727G>A on transcript NM_031372.4 (MANE Select); coding-DNA position 727, G replaced by A.
Protein change: p.Asp243Asn; replaces aspartic acid 243 with asparagine.
Molecular consequence: missense variant. On other transcripts: non-coding transcript variant (1).
Genome position (GRCh38, 1-based): chr4:82,428,065, C>T on the plus strand (G>A on the coding strand, the complement: HNRNPDL is on the minus strand). VCF-style: chr4-82428065-C-T. GRCh37 (hg19) VCF-style: chr4-83349218-C-T.
Other names: c.727G>A, p.Asp243Asn (NM_001207000.1); short protein forms D243N.
Identifiers: ClinVar variation 2897620 (VCV002897620.3), dbSNP rs779448092, ClinGen allele CA2984901.